The following is an entry in ClinVar:

NM_024685.4(BBS10):c.326T>C (p.Met109Thr)

Gene: BBS10 (Bardet-Biedl syndrome 10; minus strand). Cytogenetic location: 12q21.2.
Variant type: single nucleotide variant.
Coding change: c.326T>C on transcript NM_024685.4 (MANE Select); coding-DNA position 326, T replaced by C.
Protein change: p.Met109Thr; replaces methionine 109 with threonine.
Molecular consequence: missense variant.
Genome position (GRCh38, 1-based): chr12:76,347,659, A>G on the plus strand (T>C on the coding strand, the complement: BBS10 is on the minus strand). VCF-style: chr12-76347659-A-G. GRCh37 (hg19) VCF-style: chr12-76741439-A-G.
Other names: c.326T>C (NM_024685.3); short protein forms M109T.
Identifiers: ClinVar variation 1055467 (VCV001055467.10), dbSNP rs2136091232, ClinGen allele CA385815751.

ClinVar aggregate classification (germline): Uncertain significance. Review status: criteria provided, multiple submitters, no conflicts (2 of 4 stars). 2 submissions from 2 submitters: Uncertain significance (2). Last evaluated 2026-06-03.

Conditions:
BBS10-related disorder. Also called: BBS10-related condition.
Bardet-Biedl syndrome (BBS). Identifiers: Orphanet 110, MedGen C0752166, MONDO:0015229.

Allele frequency attached by ClinVar (database versions not stated): gnomAD exomes below 0.00001.

Submissions (2):

PreventionGenetics, part of Exact Sciences
Classification: Uncertain significance for BBS10-related condition. Last evaluated: 2026-06-03. Review status: criteria provided, single submitter. Criteria: ACMG Guidelines, 2015. Collection method: clinical testing. Allele origin: germline.
Comment: The BBS10 c.326T>C variant is predicted to result in the amino acid substitution p.Met109Thr. To our knowledge, this variant has not been reported in the literature or in a large population database (gnomAD), indicating this variant is rare. At this time, the clinical significance of this variant is uncertain due to the absence of conclusive functional and genetic evidence.

Labcorp Genetics (formerly Invitae), Labcorp
Classification: Uncertain significance for Bardet-Biedl syndrome. Last evaluated: 2020-08-01. Review status: criteria provided, single submitter. Criteria: Invitae Variant Classification Sherloc (09022015). Collection method: clinical testing. Allele origin: germline.
Comment: In summary, the available evidence is currently insufficient to determine the role of this variant in disease. Therefore, it has been classified as a Variant of Uncertain Significance. Algorithms developed to predict the effect of missense changes on protein structure and function output the following: SIFT: "Tolerated"; PolyPhen-2: "Benign"; Align-GVGD: "Class C0". The threonine amino acid residue is found in multiple mammalian species, suggesting that this missense change does not adversely affect protein function. These predictions have not been confirmed by published functional studies and their clinical significance is uncertain. This sequence change replaces methionine with threonine at codon 109 of the BBS10 protein (p.Met109Thr). The methionine residue is weakly conserved and there is a moderate physicochemical difference between methionine and threonine. This variant is not present in population databases (ExAC no frequency). This variant has not been reported in the literature in individuals with BBS10-related conditions.